The following is an entry in ClinVar:

NM_001165963.4(SCN1A):c.3391G>C (p.Asp1131His)

Genes: SCN1A (sodium voltage-gated channel alpha subunit 1; minus strand), LOC102724058 (uncharacterized LOC102724058; plus strand). Cytogenetic location: 2q24.3.
Variant type: single nucleotide variant.
Coding change: c.3391G>C on transcript NM_001165963.4 (MANE Select); coding-DNA position 3391, G replaced by C.
Protein change: p.Asp1131His; replaces aspartic acid 1131 with histidine.
Molecular consequence: missense variant. On other transcripts: non-coding transcript variant (2).
Genome position (GRCh38, 1-based): chr2:166,036,086, C>G on the plus strand (G>C on the coding strand, the complement: SCN1A is on the minus strand). VCF-style: chr2-166036086-C-G. GRCh37 (hg19) VCF-style: chr2-166892596-C-G.
Other names: c.3391G>C (NM_001165963.1); c.3307G>C, p.Asp1103His (NM_001165964.3, NM_001353957.2, NM_001353958.2); c.3391G>C, p.Asp1131His (NM_001202435.3, NM_001353948.2); c.3358G>C, p.Asp1120His (NM_001353949.2, NM_001353950.2, NM_001353951.2 and 2 more transcripts); c.3355G>C, p.Asp1119His (NM_001353954.2, NM_001353955.2); c.3304G>C, p.Asp1102His (NM_001353960.2); c.949G>C, p.Asp317His (NM_001353961.2); short protein forms D1120H, D1131H, D1103H, D317H, D1102H, D1119H.
Identifiers: ClinVar variation 2041128 (VCV002041128.5), dbSNP rs372555722, ClinGen allele CA349059143.
Genomic context (GRCh38, chr2:166,036,086, plus strand): 5'-TCCCACACCTATAGAATCTTACCTCTTTGCTTTCTTCCAGATCCGATTCACTACTAAAGT[C>G]TTCCGTGTTTAAATTTTCAAAGTCAGATTCTCCTACAGCAATTGGTACAGTCACAGTAAG-3'
Protein context (NP_001159435.1, residues 1121-1141): ESDFENLNTE[Asp1131His]FSSESDLEES

ClinVar aggregate classification (germline): Uncertain significance. Review status: criteria provided, multiple submitters, no conflicts (2 of 4 stars). 2 submissions from 2 submitters: Uncertain significance (2). Last evaluated 2024-05-09.

Conditions:
Early-infantile DEE. Also called: Early infantile epileptic encephalopathy with suppression bursts; Ohtahara syndrome; Early infantile epileptic encephalopathy. Identifiers: Orphanet 1934, MedGen C0393706, MONDO:0800491.

gnomAD v4.1: 3 of 1,613,858 alleles (0.00019%); highest among the groups gnomAD compares: Admixed American, 0.0017%; no homozygotes.

Submissions (2):

Labcorp Genetics (formerly Invitae), Labcorp
Classification: Uncertain significance for Early-infantile DEE. Last evaluated: 2024-05-09. Review status: criteria provided, single submitter. Criteria: Invitae Variant Classification Sherloc (09022015). Collection method: clinical testing. Allele origin: germline.
Comment: This sequence change replaces aspartic acid, which is acidic and polar, with histidine, which is basic and polar, at codon 1131 of the SCN1A protein (p.Asp1131His). This variant is present in population databases (no rsID available, gnomAD 0.003%). This missense change has been observed in individual(s) with seizures (Invitae). ClinVar contains an entry for this variant (Variation ID: 2041128). Advanced modeling of protein sequence and biophysical properties (such as structural, functional, and spatial information, amino acid conservation, physicochemical variation, residue mobility, and thermodynamic stability) performed at Invitae indicates that this missense variant is expected to disrupt SCN1A protein function with a positive predictive value of 95%. In summary, the available evidence is currently insufficient to determine the role of this variant in disease. Therefore, it has been classified as a Variant of Uncertain Significance.

GeneDx
Classification: Uncertain significance. Last evaluated: 2024-02-12. Review status: criteria provided, single submitter. Criteria: GeneDx Variant Classification Process June 2021. Collection method: clinical testing. Allele origin: germline. Affected: yes.
Comment: Not observed at significant frequency in large population cohorts (gnomAD); In silico analysis supports that this missense variant has a deleterious effect on protein structure/function; Has not been previously published as pathogenic or benign to our knowledge; This substitution is predicted to be in the cytoplasmic loop between the second and third homologous domains